The following is an entry in ClinVar:

ClinVar aggregate classification (germline): Uncertain significance (1 of 4 stars; one submission).

Conditions:
Cornelia de Lange syndrome 1 (CDLS1). Also called: TYPUS DEGENERATIVUS AMSTELODAMENSIS; Brachmann de Lange syndrome; NIPBL-Related Cornelia de Lange Syndrome. Identifiers: Orphanet 199, MedGen C4551851, MONDO:0007387, OMIM 122470.

Allele frequency attached by ClinVar (database versions not stated): gnomAD 0.00001; gnomAD exomes 0.00001; TOPMed 0.00002.
gnomAD v4.1: 7 of 1,610,624 alleles (0.00043%); highest among the groups gnomAD compares: Non-Finnish European, 0.00051%; no homozygotes.

Submission:

Labcorp Genetics (formerly Invitae), Labcorp
Classification: Uncertain significance for Cornelia de Lange syndrome 1. Last evaluated: 2023-05-21. Review status: criteria provided, single submitter. Criteria: Invitae Variant Classification Sherloc (09022015). Collection method: clinical testing. Allele origin: germline.
Comment: In summary, the available evidence is currently insufficient to determine the role of this variant in disease. Therefore, it has been classified as a Variant of Uncertain Significance. Advanced modeling of protein sequence and biophysical properties (such as structural, functional, and spatial information, amino acid conservation, physicochemical variation, residue mobility, and thermodynamic stability) performed at Invitae indicates that this missense variant is expected to disrupt NIPBL protein function. This variant has not been reported in the literature in individuals affected with NIPBL-related conditions. This variant is present in population databases (no rsID available, gnomAD 0.007%). This sequence change replaces threonine, which is neutral and polar, with alanine, which is neutral and non-polar, at codon 1409 of the NIPBL protein (p.Thr1409Ala).

NM_133433.4(NIPBL):c.4225A>G (p.Thr1409Ala)

Gene: NIPBL (NIPBL cohesin loading factor; plus strand). Cytogenetic location: 5p13.2.
Variant type: single nucleotide variant.
Coding change: c.4225A>G on transcript NM_133433.4 (MANE Select); coding-DNA position 4225, A replaced by G.
Protein change: p.Thr1409Ala; replaces threonine 1409 with alanine.
Molecular consequence: missense variant.
Genome position (GRCh38, 1-based): chr5:37,007,460, A>G. VCF-style: chr5-37007460-A-G. GRCh37 (hg19) VCF-style: chr5-37007562-A-G.
Other names: c.4225A>G, p.Thr1409Ala (NM_015384.5); short protein forms T1409A.
Identifiers: ClinVar variation 2899724 (VCV002899724.3), dbSNP rs1260002719, ClinGen allele CA359525978.
Genomic context (GRCh38, chr5:37,007,460, plus strand): 5'-AAAGTTTGTGACATTGTTAGCAGCTTATCAGAATTGCTAGAGATACAACTTCTTACAGAC[A>G]CAACAATTCTTCAGGTAAGATTTTTTGGTAAGCATTTTGTATATTTCTAAACTAAATGAT-3'
Protein context (NP_597677.2, residues 1399-1419): ELLEIQLLTD[Thr1409Ala]TILQVSSMGI